The following is an entry in ClinVar:

ClinVar aggregate classification (germline): Uncertain significance. Review status: criteria provided, multiple submitters, no conflicts (2 of 4 stars). 2 submissions from 2 submitters: Uncertain significance (2). Last evaluated 2026-01-15.

Conditions:
Inborn genetic diseases. Identifiers: MedGen C0950123, MeSH D030342.

Allele frequency attached by ClinVar (database versions not stated): gnomAD 0.00001; TOPMed 0.00004.

Submissions (2):

Labcorp Genetics (formerly Invitae), Labcorp
Classification: Uncertain significance. Last evaluated: 2026-01-15. Review status: criteria provided, single submitter. Criteria: Invitae Variant Classification Sherloc (09022015). Collection method: clinical testing. Allele origin: germline.
Comment: This sequence change replaces methionine, which is neutral and non-polar, with isoleucine, which is neutral and non-polar, at codon 1560 of the ANK1 protein (p.Met1560Ile). This variant is present in population databases (no rsID available, gnomAD no frequency). This variant has not been reported in the literature in individuals affected with ANK1-related conditions. ClinVar contains an entry for this variant (Variation ID: 2894686). An algorithm developed to predict the effect of missense changes on protein structure and function (PolyPhen-2) suggests that this variant is likely to be tolerated. In summary, the available evidence is currently insufficient to determine the role of this variant in disease. Therefore, it has been classified as a Variant of Uncertain Significance.

Ambry Genetics
Classification: Uncertain significance for Inborn genetic diseases. Last evaluated: 2024-01-16. Review status: criteria provided, single submitter. Criteria: Ambry Variant Classification Scheme 2023. Collection method: clinical testing. Allele origin: germline.

NM_000037.4(ANK1):c.4680G>A (p.Met1560Ile)

Gene: ANK1 (ankyrin 1; minus strand). Cytogenetic location: 8p11.21.
Variant type: single nucleotide variant.
Coding change: c.4680G>A on transcript NM_000037.4 (MANE Select); coding-DNA position 4680, G replaced by A.
Protein change: p.Met1560Ile; replaces methionine 1560 with isoleucine.
Molecular consequence: missense variant. On other transcripts: intron variant (1).
Genome position (GRCh38, 1-based): chr8:41,672,770, C>T on the plus strand (G>A on the coding strand, the complement: ANK1 is on the minus strand). VCF-style: chr8-41672770-C-T. GRCh37 (hg19) VCF-style: chr8-41530288-C-T.
Other names: c.4803G>A, p.Met1601Ile (NM_001142446.2); c.4680G>A, p.Met1560Ile (NM_020475.3, NM_020476.3); c.4538-344G>A (NM_020477.3); c.4680G>A (NM_000037.3); short protein forms M1601I, M1560I.
Identifiers: ClinVar variation 2894686 (VCV002894686.4), dbSNP rs865882131, ClinGen allele CA175915897.
Genomic context (GRCh38, chr8:41,672,770, plus strand): 5'-AGCAGTGACCAGAGAAGGCGTGAGGCCCGCAGACCACACCTGCATGTCAGACATCTCCAG[C>T]ATGGTGTCATGCTCCGTGGCCGCCAAGGGGATGGCGTCTAGGACGGCCACCTCATTCCAG-3'
Protein context (NP_000028.3, residues 1550-1570): IPLAATEHDT[Met1560Ile]LEMSDMQVWS